The following is an entry in ClinVar:

ClinVar aggregate classification (germline): Likely pathogenic (1 of 4 stars; one submission).

Conditions:
Alport syndrome 3b, autosomal recessive. Identifiers: MedGen C5882699, MONDO:0957811, OMIM 620536.

Submission:

3billion
Classification: Likely pathogenic for Alport syndrome 3b, autosomal recessive. Last evaluated: 2026-01-26. Review status: criteria provided, single submitter. Criteria: ACMG Guidelines, 2015. Collection method: clinical testing. Allele origin: germline. Affected: yes.
Comment: The variant is not observed in the gnomAD v4.1.0 dataset. Predicted Consequence/Location: The variant is located in a mutational hot spot and/or well-established functional domain in which established pathogenic variants have been reported (PMID: 12028435). In silico tool predictions suggest damaging effect of the variant on gene or gene product [REVEL: 0.94 (>=0.6, sensitivity 0.68 and specificity 0.92); 3Cnet: 0.40 (> 0.75, sensitivity 0.96 and precision 0.92)]. Different missense changes at the same codon (p.Gly1198Asp, p.Gly1198Ser) have been reported as pathogenic/likely pathogenic with strong evidence (ClinVar ID: VCV000562260, VCV000804577 /PMID: 12028435 /3billion dataset). Therefore, this variant is classified as Likely pathogenic according to the recommendation of ACMG/AMP guideline.

Literature cited by the submitters: PubMed 12028435.

NM_000091.5(COL4A3):c.3592G>C (p.Gly1198Arg)

Genes: MFF-DT (MFF divergent transcript; minus strand), COL4A3 (collagen type IV alpha 3 chain; plus strand). Cytogenetic location: 2q36.3.
Variant type: single nucleotide variant.
Coding change: c.3592G>C on transcript NM_000091.5 (MANE Select); coding-DNA position 3592, G replaced by C.
Protein change: p.Gly1198Arg; replaces glycine 1198 with arginine.
Molecular consequence: missense variant.
Genome position (GRCh38, 1-based): chr2:227,297,700, G>C. VCF-style: chr2-227297700-G-C. GRCh37 (hg19) VCF-style: chr2-228162416-G-C.
Other names: short protein forms G1198R.
Identifiers: ClinVar variation 4854472 (VCV004854472.1).